The following is an entry in ClinVar:

ClinVar aggregate classification (germline): Uncertain significance (1 of 4 stars; one submission).

Submission:

Labcorp Genetics (formerly Invitae), Labcorp
Classification: Uncertain significance. Last evaluated: 2024-11-21. Review status: criteria provided, single submitter. Criteria: Invitae Variant Classification Sherloc (09022015). Collection method: clinical testing. Allele origin: germline.
Comment: This sequence change replaces alanine, which is neutral and non-polar, with valine, which is neutral and non-polar, at codon 42 of the PGK1 protein (p.Ala42Val). This variant is not present in population databases (gnomAD no frequency). This variant has not been reported in the literature in individuals affected with PGK1-related conditions. Invitae Evidence Modeling of protein sequence and biophysical properties (such as structural, functional, and spatial information, amino acid conservation, physicochemical variation, residue mobility, and thermodynamic stability) indicates that this missense variant is expected to disrupt PGK1 protein function with a positive predictive value of 80%. In summary, the available evidence is currently insufficient to determine the role of this variant in disease. Therefore, it has been classified as a Variant of Uncertain Significance.

NM_000291.4(PGK1):c.125C>T (p.Ala42Val)

Gene: PGK1 (phosphoglycerate kinase 1; plus strand). Cytogenetic location: Xq21.1.
Variant type: single nucleotide variant.
Coding change: c.125C>T on transcript NM_000291.4 (MANE Select); coding-DNA position 125, C replaced by T.
Protein change: p.Ala42Val; replaces alanine 42 with valine.
Molecular consequence: missense variant.
Genome position (GRCh38, 1-based): chrX:78,113,752, C>T. VCF-style: chrX-78113752-C-T. GRCh37 (hg19) VCF-style: chrX-77369249-C-T.
Other names: short protein forms A42V.
Identifiers: ClinVar variation 3698213 (VCV003698213.2).
Genomic context (GRCh38, chrX:78,113,752, plus strand): 5'-ACTAATTTCTAGGAGTAACTTCATTCTGTTTGTTGTCTCTCTTTGGTTGCAGGATTAAGG[C>T]TGCTGTCCCAAGCATCAAATTCTGCTTGGACAATGGAGCCAAGTCGGTAGTCCTTATGAG-3'
Protein context (NP_000282.1, residues 32-52): NQITNNQRIK[Ala42Val]AVPSIKFCLD